The following is an entry in ClinVar:

NM_003052.5(SLC34A1):c.199G>A (p.Val67Ile)

Gene: SLC34A1 (solute carrier family 34 member 1; plus strand). Cytogenetic location: 5q35.3.
Variant type: single nucleotide variant.
Coding change: c.199G>A on transcript NM_003052.5 (MANE Select); coding-DNA position 199, G replaced by A.
Protein change: p.Val67Ile; replaces valine 67 with isoleucine.
Molecular consequence: missense variant.
Genome position (GRCh38, 1-based): chr5:177,386,076, G>A. VCF-style: chr5-177386076-G-A. GRCh37 (hg19) VCF-style: chr5-176813077-G-A.
Other names: c.199G>A, p.Val67Ile (NM_001167579.2); short protein forms V67I.
Identifiers: ClinVar variation 2174558 (VCV002174558.31), dbSNP rs766325552, ClinGen allele CA3580296.

ClinVar aggregate classification (germline): Benign/Likely benign. Review status: criteria provided, multiple submitters, no conflicts (2 of 4 stars). 2 submissions from 2 submitters: Benign (1); Likely benign (1). Last evaluated 2025-12-01.

Allele frequency attached by ClinVar (database versions not stated): TOPMed 0.00001; gnomAD 0.00006; gnomAD exomes 0.00016; ExAC 0.00034.

Submissions (2):

CeGaT Center for Human Genetics Tuebingen
Classification: Likely benign. Last evaluated: 2025-12-01. Review status: criteria provided, single submitter. Criteria: CeGaT Center For Human Genetics Tuebingen Variant Classification Criteria Version 2. Collection method: clinical testing. Allele origin: germline. Affected: yes. Observed: 2 variant alleles.
Comment: SLC34A1: BP4

Labcorp Genetics (formerly Invitae), Labcorp
Classification: Benign. Last evaluated: 2024-09-28. Review status: criteria provided, single submitter. Criteria: Invitae Variant Classification Sherloc (09022015). Collection method: clinical testing. Allele origin: germline.